The following is an entry in ClinVar:

NM_001261826.3(AP3D1):c.3154G>A (p.Val1052Met)

Gene: AP3D1 (adaptor related protein complex 3 subunit delta 1; minus strand). Cytogenetic location: 19p13.3.
Variant type: single nucleotide variant.
Coding change: c.3154G>A on transcript NM_001261826.3 (MANE Select); coding-DNA position 3154, G replaced by A.
Protein change: p.Val1052Met; replaces valine 1052 with methionine.
Molecular consequence: missense variant.
Genome position (GRCh38, 1-based): chr19:2,110,728, C>T on the plus strand (G>A on the coding strand, the complement: AP3D1 is on the minus strand). VCF-style: chr19-2110728-C-T. GRCh37 (hg19) VCF-style: chr19-2110727-C-T.
Other names: c.3118G>A, p.Val1040Met (NM_001374799.1); c.2968G>A, p.Val990Met (NM_003938.8); short protein forms V990M, V1040M, V1052M.
Identifiers: ClinVar variation 1364062 (VCV001364062.8), dbSNP rs780575228, ClinGen allele CA9058551.

ClinVar aggregate classification (germline): Uncertain significance (1 of 4 stars; one submission).

Allele frequency attached by ClinVar (database versions not stated): gnomAD 0.00002; TOPMed 0.00005; ExAC 0.00010.
gnomAD v4.1: 64 of 1,604,742 alleles (0.004%); highest among the groups gnomAD compares: East Asian, 0.016%; no homozygotes.

Submission:

Labcorp Genetics (formerly Invitae), Labcorp
Classification: Uncertain significance. Last evaluated: 2026-01-22. Review status: criteria provided, single submitter. Criteria: Invitae Variant Classification Sherloc (09022015). Collection method: clinical testing. Allele origin: germline.
Comment: This sequence change replaces valine, which is neutral and non-polar, with methionine, which is neutral and non-polar, at codon 1052 of the AP3D1 protein (p.Val1052Met). The frequency data for this variant in the population databases is considered unreliable, as metrics indicate poor data quality at this position in the gnomAD database. This variant has not been reported in the literature in individuals affected with AP3D1-related conditions. ClinVar contains an entry for this variant (Variation ID: 1364062). An algorithm developed to predict the effect of missense changes on protein structure and function (PolyPhen-2) suggests that this variant is likely to be tolerated. In summary, the available evidence is currently insufficient to determine the role of this variant in disease. Therefore, it has been classified as a Variant of Uncertain Significance.